The following is an entry in ClinVar:

ClinVar aggregate classification (germline): Likely benign (1 of 4 stars; one submission).

gnomAD v4.1: 23 of 1,525,308 alleles (0.0015%); highest among the groups gnomAD compares: East Asian, 0.031%; no homozygotes.

Submission:

CeGaT Center for Human Genetics Tuebingen
Classification: Likely benign. Last evaluated: 2026-07-01. Review status: criteria provided, single submitter. Criteria: CeGaT Center For Human Genetics Tuebingen Variant Classification Criteria Version 2. Collection method: clinical testing. Allele origin: germline. Affected: yes. Observed: 1 variant allele.
Comment: ABCA2: BP4, BP7

NM_001606.5(ABCA2):c.4881G>A (p.Ser1627=)

Gene: ABCA2 (ATP binding cassette subfamily A member 2; minus strand). Cytogenetic location: 9q34.3.
Variant type: single nucleotide variant.
Coding change: c.4881G>A on transcript NM_001606.5 (MANE Select); coding-DNA position 4881, G replaced by A.
Protein change: p.Ser1627=; no amino-acid change (serine 1627 retained).
Molecular consequence: synonymous variant.
Genome position (GRCh38, 1-based): chr9:137,012,912, C>T on the plus strand (G>A on the coding strand, the complement: ABCA2 is on the minus strand). VCF-style: chr9-137012912-C-T. GRCh37 (hg19) VCF-style: chr9-139907364-C-T.
Other names: c.4878G>A, p.Ser1626= (NM_001411042.1); c.4971G>A, p.Ser1657= (NM_212533.3).
Identifiers: ClinVar variation 5039816 (VCV005039816.1).